The following is an entry in ClinVar:

ClinVar aggregate classification (germline): Conflicting classifications of pathogenicity. Review status: criteria provided, conflicting classifications (1 of 4 stars). 2 submissions from 2 submitters: Likely pathogenic (1); Uncertain significance (1). Last evaluated 2025-08-12.

Conditions:
BBS7-related disorder. Also called: BBS7-related condition.
Bardet-Biedl syndrome (BBS). Identifiers: Orphanet 110, MedGen C0752166, MONDO:0015229.

Submissions (2):

PreventionGenetics, part of Exact Sciences
Classification: Likely pathogenic for BBS7-related condition. Last evaluated: 2025-08-12. Review status: criteria provided, single submitter. Criteria: ACMG Guidelines, 2015. Collection method: clinical testing. Allele origin: germline.
Comment: The BBS7 c.880G>A variant is predicted to result in the amino acid substitution p.Gly294Ser. To our knowledge, this variant has not been reported in the literature or in a large population database, indicating this variant is rare. At PreventionGenetics, we have detected this variant in the biallelic state in unrelated individuals undergoing testing for Bardet-Biedl syndrome (Internal Data). Based on this evidence, this variant is interpreted as likely pathogenic.

Labcorp Genetics (formerly Invitae), Labcorp
Classification: Uncertain significance for Bardet-Biedl syndrome. Last evaluated: 2022-03-14. Review status: criteria provided, single submitter. Criteria: Invitae Variant Classification Sherloc (09022015). Collection method: clinical testing. Allele origin: germline.
Comment: In summary, the available evidence is currently insufficient to determine the role of this variant in disease. Therefore, it has been classified as a Variant of Uncertain Significance. Algorithms developed to predict the effect of missense changes on protein structure and function are either unavailable or do not agree on the potential impact of this missense change (SIFT: "Tolerated"; PolyPhen-2: "Possibly Damaging"; Align-GVGD: "Class C0"). This variant has not been reported in the literature in individuals affected with BBS7-related conditions. This variant is not present in population databases (gnomAD no frequency). This sequence change replaces glycine, which is neutral and non-polar, with serine, which is neutral and polar, at codon 294 of the BBS7 protein (p.Gly294Ser).

NM_176824.3(BBS7):c.880G>A (p.Gly294Ser)

Gene: BBS7 (Bardet-Biedl syndrome 7; minus strand). Cytogenetic location: 4q27.
Variant type: single nucleotide variant.
Coding change: c.880G>A on transcript NM_176824.3 (MANE Select); coding-DNA position 880, G replaced by A.
Protein change: p.Gly294Ser; replaces glycine 294 with serine.
Molecular consequence: missense variant.
Genome position (GRCh38, 1-based): chr4:121,848,898, C>T on the plus strand (G>A on the coding strand, the complement: BBS7 is on the minus strand). VCF-style: chr4-121848898-C-T. GRCh37 (hg19) VCF-style: chr4-122770053-C-T.
Other names: c.880G>A, p.Gly294Ser (NM_018190.4); c.880G>A (NM_176824.2); short protein forms G294S.
Identifiers: ClinVar variation 2111566 (VCV002111566.5), dbSNP rs1726157542, ClinGen allele CA358063467.
Genomic context (GRCh38, chr4:121,848,898, plus strand): 5'-CTTTACCTGAATATGTGGACACCACGATTTCATCATAGCTGTCTTTTCCTACACAACCAC[C>T]CTGGATAGATGTGACGCTTTCAGACAACATCTAAAAAAGTTTAAGACCAAGCACTTCATT-3'
Protein context (NP_789794.1, residues 284-304): MLSESVTSIQ[Gly294Ser]GCVGKDSYDE